The following is an entry in ClinVar:

ClinVar aggregate classification (germline): Uncertain significance (1 of 4 stars; one submission).

Conditions:
Adams-Oliver syndrome 5 (AOS5). Identifiers: Orphanet 974, MedGen C4014970, MONDO:0014459, OMIM 616028.

Allele frequency attached by ClinVar (database versions not stated): gnomAD exomes below 0.00001.
gnomAD v4.1: 2 of 1,611,624 alleles (0.00012%); highest among the groups gnomAD compares: Non-Finnish European, 0.00017%; no homozygotes.

Submission:

Labcorp Genetics (formerly Invitae), Labcorp
Classification: Uncertain significance for Adams-Oliver syndrome 5. Last evaluated: 2023-02-22. Review status: criteria provided, single submitter. Criteria: Invitae Variant Classification Sherloc (09022015). Collection method: clinical testing. Allele origin: germline.
Comment: In summary, the available evidence is currently insufficient to determine the role of this variant in disease. Therefore, it has been classified as a Variant of Uncertain Significance. Advanced modeling of protein sequence and biophysical properties (such as structural, functional, and spatial information, amino acid conservation, physicochemical variation, residue mobility, and thermodynamic stability) performed at Invitae indicates that this missense variant is not expected to disrupt NOTCH1 protein function. This variant has not been reported in the literature in individuals affected with NOTCH1-related conditions. This variant is not present in population databases (gnomAD no frequency). This sequence change replaces threonine, which is neutral and polar, with isoleucine, which is neutral and non-polar, at codon 1243 of the NOTCH1 protein (p.Thr1243Ile).

NM_017617.5(NOTCH1):c.3728C>T (p.Thr1243Ile)

Gene: NOTCH1 (notch receptor 1; minus strand). Cytogenetic location: 9q34.3.
Variant type: single nucleotide variant.
Coding change: c.3728C>T on transcript NM_017617.5 (MANE Select); coding-DNA position 3728, C replaced by T.
Protein change: p.Thr1243Ile; replaces threonine 1243 with isoleucine.
Molecular consequence: missense variant.
Genome position (GRCh38, 1-based): chr9:136,506,889, G>A on the plus strand (C>T on the coding strand, the complement: NOTCH1 is on the minus strand). VCF-style: chr9-136506889-G-A. GRCh37 (hg19) VCF-style: chr9-139401341-G-A.
Other names: short protein forms T1243I.
Identifiers: ClinVar variation 2850827 (VCV002850827.3), dbSNP rs1474959824, ClinGen allele CA375549468.
Genomic context (GRCh38, chr9:136,506,889, plus strand): 5'-CGCTCACCCACGAAGCCCGGCGGGCAGGTGCAGCTGTAGCCGCCCACCTGGTCCACGCAG[G>A]TGCCGTTGTTAAAGCACTTGGGGCTCCGGGACACGGGGTCAACGGGGGGATTGCAGTCGT-3'
Protein context (NP_060087.3, residues 1233-1253): SRSPKCFNNG[Thr1243Ile]CVDQVGGYSC